The following is an entry in ClinVar:

NM_001079802.2(FKTN):c.647+12G>A

Gene: FKTN (fukutin; plus strand). Cytogenetic location: 9q31.2.
Variant type: single nucleotide variant.
Coding change: c.647+12G>A on transcript NM_001079802.2 (MANE Select); 12 bases into the intron after coding-DNA position 647, G replaced by A.
Molecular consequence: intron variant.
Genome position (GRCh38, 1-based): chr9:105,604,504, G>A. VCF-style: chr9-105604504-G-A. GRCh37 (hg19) VCF-style: chr9-108366785-G-A.
Other names: c.647+12G>A (NM_006731.2, NM_001351496.2, NM_001198963.2 and 1 more transcripts); c.251+12G>A (NM_001351502.2, NM_001351499.2, NM_001351500.2 and 1 more transcripts); c.578+12G>A (NM_001351497.2).
Identifiers: ClinVar variation 388171 (VCV000388171.13), dbSNP rs372589966, ClinGen allele CA5170452.
Genomic context (GRCh38, chr9:105,604,504, plus strand): 5'-TTCCCTTCCGAAAGTTACAGTTTGGTCGTTATCCAGGAGCTTTTGACAGGTAAGTTCAGA[G>A]TCAAAACGTGAAATGTGAAATGAGTGTTGTTCAGTCATAATTCTTGCAGTGTTTTTACAT-3'

ClinVar aggregate classification (germline): Likely benign. Review status: criteria provided, multiple submitters, no conflicts (2 of 4 stars). 5 submissions from 5 submitters: Likely benign (3). 2 of the submissions do not count toward it. Last evaluated 2026-01-30.

Conditions:
Walker-Warburg congenital muscular dystrophy. Also called: Muscular dystrophy-dystroglycanopathy, type A; Walker-Warburg syndrome. Identifiers: Orphanet 899, MedGen C0265221, MONDO:0000171.

Allele frequency attached by ClinVar (database versions not stated): TOPMed 0.00007; gnomAD exomes 0.00009 and 0.00015; ExAC 0.00011; gnomAD 0.00011; ESP Exome Variant Server 0.00015.
gnomAD v4.1: 224 of 1,610,478 alleles (0.014%); highest among the groups gnomAD compares: Non-Finnish European, 0.019%; no homozygotes.

Submissions (5):

Labcorp Genetics (formerly Invitae), Labcorp
Classification: Likely benign for Walker-Warburg congenital muscular dystrophy. Last evaluated: 2026-01-30. Review status: criteria provided, single submitter. Criteria: Invitae Variant Classification Sherloc (09022015). Collection method: clinical testing. Allele origin: germline.

Blueprint Genetics
Classification: Likely benign. Last evaluated: 2024-08-22. Review status: criteria provided, single submitter. Criteria: ACMG Guidelines, 2015. Collection method: clinical testing. Allele origin: germline.

GeneDx
Classification: Likely benign. Last evaluated: 2017-06-05. Review status: criteria provided, single submitter. Criteria: GeneDx Variant Classification (06012015). Collection method: clinical testing. Allele origin: germline. Affected: yes.
Comment: This variant is considered likely benign or benign based on one or more of the following criteria: it is a conservative change, it occurs at a poorly conserved position in the protein, it is predicted to be benign by multiple in silico algorithms, and/or has population frequency not consistent with disease.

Clinical Genetics DNA and cytogenetics Diagnostics Lab, Erasmus MC, Erasmus Medical Center
Classification: Likely benign. Review status: no assertion criteria provided. Collection method: clinical testing. Allele origin: germline. Affected: yes. Study: VKGL Data-share Consensus. Not counted in ClinVar's aggregate classification.

Diagnostic Laboratory, Department of Genetics, University Medical Center Groningen
Classification: Likely benign. Review status: no assertion criteria provided. Collection method: clinical testing. Allele origin: germline. Affected: yes. Study: VKGL Data-share Consensus. Not counted in ClinVar's aggregate classification.